The following is an entry in ClinVar:

ClinVar aggregate classification (germline): Benign (1 of 4 stars; one submission).

Allele frequency attached by ClinVar (database versions not stated): 1000 Genomes Project 30x 0.31699; 1000 Genomes Project 0.31769; gnomAD 0.34291; TOPMed 0.35385.

Submission:

GeneDx
Classification: Benign. Last evaluated: 2018-06-18. Review status: criteria provided, single submitter. Criteria: GeneDx Variant Classification (06012015). Collection method: clinical testing. Allele origin: germline. Affected: yes.
Comment: This variant is considered likely benign or benign based on one or more of the following criteria: it is a conservative change, it occurs at a poorly conserved position in the protein, it is predicted to be benign by multiple in silico algorithms, and/or has population frequency not consistent with disease.

NM_033337.2(CAV3):c.-340C>A

Gene: CAV3 (caveolin 3; plus strand). Cytogenetic location: 3p25.3.
Variant type: single nucleotide variant.
Coding change: c.-340C>A on transcript NM_033337.2; 340 bases upstream of the start codon, C replaced by A.
Genome position (GRCh38, 1-based): chr3:8,733,537, C>A. VCF-style: chr3-8733537-C-A. GRCh37 (hg19) VCF-style: chr3-8775223-C-A.
Identifiers: ClinVar variation 668647 (VCV000668647.3), dbSNP rs6793441, ClinGen allele CA11466760.